The following is an entry in ClinVar:

NM_005334.3(HCFC1):c.1330G>C (p.Gly444Arg)

Gene: HCFC1 (host cell factor C1; minus strand). Cytogenetic location: Xq28.
Variant type: single nucleotide variant.
Coding change: c.1330G>C on transcript NM_005334.3 (MANE Select); coding-DNA position 1330, G replaced by C.
Protein change: p.Gly444Arg; replaces glycine 444 with arginine.
Molecular consequence: missense variant.
Genome position (GRCh38, 1-based): chrX:153,959,916, C>G on the plus strand (G>C on the coding strand, the complement: HCFC1 is on the minus strand). VCF-style: chrX-153959916-C-G. GRCh37 (hg19) VCF-style: chrX-153225367-C-G.
Other names: c.1330G>C, p.Gly444Arg (NM_001410705.1); short protein forms G444R.
Identifiers: ClinVar variation 3776235 (VCV003776235.1).

ClinVar aggregate classification (germline): Uncertain significance (1 of 4 stars; one submission).

Conditions:
Methylmalonic acidemia with homocystinuria, type cblX (MAHCX). Also called: INTELLECTUAL DEVELOPMENTAL DISORDER, X-LINKED 3. Identifiers: Orphanet 369962, MedGen C0796208, MONDO:0010657, OMIM 309541.

Submission:

3billion
Classification: Uncertain significance for Methylmalonic acidemia with homocystinuria, type cblX. Last evaluated: 2023-08-06. Review status: criteria provided, single submitter. Criteria: ACMG Guidelines, 2015. Collection method: clinical testing. Allele origin: germline. Affected: yes.
Comment: The variant is not observed in the gnomAD v2.1.1 dataset. Predicted Consequence/Location: Missense changes are a common disease-causing mechanism. In silico tools predict the variant to alter splicing and produce an abnormal transcript [SpliceAI: 0.21 (>=0.2, moderate evidence for spliceogenicity)]. Therefore, this variant is classified as VUS according to the recommendation of ACMG/AMP guideline.